The following is an entry in ClinVar:

NM_000350.3(ABCA4):c.2654-8T>G

Gene: ABCA4 (ATP binding cassette subfamily A member 4; minus strand). Cytogenetic location: 1p22.1.
Variant type: single nucleotide variant.
Coding change: c.2654-8T>G on transcript NM_000350.3 (MANE Select); 8 bases into the intron before coding-DNA position 2654, T replaced by G.
Molecular consequence: intron variant.
Genome position (GRCh38, 1-based): chr1:94,048,965, A>C on the plus strand (T>G on the coding strand, the complement: ABCA4 is on the minus strand). VCF-style: chr1-94048965-A-C. GRCh37 (hg19) VCF-style: chr1-94514521-A-C.
Identifiers: ClinVar variation 867061 (VCV000867061.11), dbSNP rs765263670, ClinGen allele CA958191.

ClinVar aggregate classification (germline): Conflicting classifications of pathogenicity. Review status: criteria provided, conflicting classifications (1 of 4 stars). 3 submissions from 3 submitters: Likely pathogenic (2); Uncertain significance (1). Last evaluated 2023-09-21.

Conditions:
Retinal dystrophy. Also called: Inherited retinal dystrophy. Identifiers: Orphanet 71862, MedGen C0854723, MeSH D058499, MONDO:0019118, HP:0000556.
ABCA4-related disorder. Also called: ABCA4-related condition; ABCA4-related disorders. Identifiers: MedGen CN239167.

Allele frequency attached by ClinVar (database versions not stated): gnomAD exomes below 0.00001 and 0.00001; TOPMed below 0.00001; ExAC 0.00001; gnomAD 0.00001.
gnomAD v4.1: 4 of 1,613,774 alleles (0.00025%); highest among the groups gnomAD compares: East Asian, 0.0089%; no homozygotes.

Submissions (3):

Labcorp Genetics (formerly Invitae), Labcorp
Classification: Likely pathogenic. Last evaluated: 2023-09-21. Review status: criteria provided, single submitter. Criteria: Invitae Variant Classification Sherloc (09022015). Collection method: clinical testing. Allele origin: germline.
Comment: In summary, the currently available evidence indicates that the variant is pathogenic, but additional data are needed to prove that conclusively. Therefore, this variant has been classified as Likely Pathogenic. Studies have shown that this variant is associated with altered splicing resulting in multiple RNA products (PMID: 32307445). ClinVar contains an entry for this variant (Variation ID: 867061). This variant has been observed in individual(s) with clinical features of Stargardt disease (PMID: 25082829, 32307445). This variant is present in population databases (rs765263670, gnomAD 0.01%). This sequence change falls in intron 17 of the ABCA4 gene. It does not directly change the encoded amino acid sequence of the ABCA4 protein.

Blueprint Genetics
Classification: Likely pathogenic for ABCA4-related disorders. Last evaluated: 2019-01-03. Review status: criteria provided, single submitter. Criteria: ACMG Guidelines, 2015. Collection method: clinical testing. Allele origin: germline. Affected: yes. Observed: 2 variant alleles.

Institute of Human Genetics, Univ. Regensburg, Univ. Regensburg
Classification: Uncertain significance for Retinal dystrophy. Last evaluated: 2015-01-01. Review status: criteria provided, single submitter. Criteria: ACMG Guidelines, 2015. Collection method: clinical testing. Allele origin: germline. Affected: yes.

Literature cited by the submitters: PubMed 32307445 (cited by Labcorp Genetics (formerly Invitae), Labcorp and Institute of Human Genetics, Univ. Regensburg, Univ. Regensburg); PubMed 25082829 (cited by Labcorp Genetics (formerly Invitae), Labcorp and Institute of Human Genetics, Univ. Regensburg, Univ. Regensburg); PubMed 31964843 (cited by Institute of Human Genetics, Univ. Regensburg, Univ. Regensburg).